The following is an entry in ClinVar:

ClinVar aggregate classification (germline): Uncertain significance (1 of 4 stars; one submission).

Allele frequency attached by ClinVar (database versions not stated): gnomAD exomes below 0.00001 and 0.00002; gnomAD 0.00001; TOPMed 0.00002.

Submission:

Labcorp Genetics (formerly Invitae), Labcorp
Classification: Uncertain significance. Last evaluated: 2025-08-12. Review status: criteria provided, single submitter. Criteria: Invitae Variant Classification Sherloc (09022015). Collection method: clinical testing. Allele origin: germline.
Comment: This sequence change falls in intron 1 of the ABRAXAS1 gene. It does not directly change the encoded amino acid sequence of the ABRAXAS1 protein. It affects a nucleotide within the consensus splice site. This variant is not present in population databases (gnomAD no frequency). This variant has not been reported in the literature in individuals affected with ABRAXAS1-related conditions. ClinVar contains an entry for this variant (Variation ID: 849821). Variants that disrupt the consensus splice site are a relatively common cause of aberrant splicing (PMID: 17576681, 9536098). Algorithms developed to predict the effect of sequence changes on RNA splicing suggest that this variant is not likely to affect RNA splicing. In summary, the available evidence is currently insufficient to determine the role of this variant in disease. Therefore, it has been classified as a Variant of Uncertain Significance.

Literature cited by the submitters: PubMed 17576681; PubMed 9536098.

NM_139076.3(ABRAXAS1):c.87+3G>A

Genes: ABRAXAS1 (abraxas 1, BRCA1 A complex subunit; minus strand), LOC129992784 (ATAC-STARR-seq lymphoblastoid silent region 15542; plus strand). Cytogenetic location: 4q21.23.
Variant type: single nucleotide variant.
Coding change: c.87+3G>A on transcript NM_139076.3 (MANE Select); 3 bases into the intron after coding-DNA position 87, G replaced by A.
Molecular consequence: intron variant.
Genome position (GRCh38, 1-based): chr4:83,484,983, C>T on the plus strand (G>A on the coding strand, the complement: ABRAXAS1 is on the minus strand). VCF-style: chr4-83484983-C-T. GRCh37 (hg19) VCF-style: chr4-84406136-C-T.
Other names: c.-174+3G>A (NM_001345962.2).
Identifiers: ClinVar variation 849821 (VCV000849821.8), dbSNP rs1255305867, ClinGen allele CA553084325.